The following is an entry in ClinVar:

ClinVar aggregate classification (germline): Uncertain significance. Review status: criteria provided, multiple submitters, no conflicts (2 of 4 stars). 2 submissions from 2 submitters: Uncertain significance (2). Last evaluated 2023-09-27.

Conditions:
Bethlem myopathy 1A. Also called: Bethlem Muscular Dystrophy; MYOPATHY, BENIGN CONGENITAL, WITH CONTRACTURES; Bethlem myopathy 1. Identifiers: Orphanet 610, MedGen CN029274, MONDO:0024530, OMIM 158810.

Allele frequency attached by ClinVar (database versions not stated): gnomAD exomes below 0.00001.
gnomAD v4.1: 1 of 1,614,008 alleles (0.000062%); highest among the groups gnomAD compares: Non-Finnish European, 0.000085%; no homozygotes.

Submissions (2):

Labcorp Genetics (formerly Invitae), Labcorp
Classification: Uncertain significance for Bethlem myopathy 1A. Last evaluated: 2023-09-27. Review status: criteria provided, single submitter. Criteria: Invitae Variant Classification Sherloc (09022015). Collection method: clinical testing. Allele origin: germline.
Comment: In summary, the available evidence is currently insufficient to determine the role of this variant in disease. Therefore, it has been classified as a Variant of Uncertain Significance. Variants that disrupt the consensus splice site are a relatively common cause of aberrant splicing (PMID: 17576681, 9536098). Algorithms developed to predict the effect of sequence changes on RNA splicing suggest that this variant may disrupt the consensus splice site. ClinVar contains an entry for this variant (Variation ID: 291118). This variant has not been reported in the literature in individuals affected with COL6A3-related conditions. This variant is present in population databases (no rsID available, gnomAD 0.0009%). This sequence change affects codon 2293 of the COL6A3 mRNA. It is a 'silent' change, meaning that it does not change the encoded amino acid sequence of the COL6A3 protein. This variant also falls at the last nucleotide of exon 28, which is part of the consensus splice site for this exon.

Eurofins Ntd Llc (ga)
Classification: Uncertain significance. Last evaluated: 2018-02-15. Review status: criteria provided, single submitter. Criteria: EGL ClinVar v180209 classification definitions. Collection method: clinical testing. Allele origin: germline. Observed: 2 variant alleles, 2 heterozygotes.

Literature cited by the submitters: PubMed 17576681 (cited by Labcorp Genetics (formerly Invitae), Labcorp); PubMed 9536098 (cited by Labcorp Genetics (formerly Invitae), Labcorp).

NM_004369.4(COL6A3):c.6879G>A (p.Thr2293=)

Gene: COL6A3 (collagen type VI alpha 3 chain; minus strand). Cytogenetic location: 2q37.3.
Variant type: single nucleotide variant.
Coding change: c.6879G>A on transcript NM_004369.4 (MANE Select); coding-DNA position 6879, G replaced by A.
Protein change: p.Thr2293=; no amino-acid change (threonine 2293 retained).
Molecular consequence: synonymous variant.
Genome position (GRCh38, 1-based): chr2:237,350,147, C>T on the plus strand (G>A on the coding strand, the complement: COL6A3 is on the minus strand). VCF-style: chr2-237350147-C-T. GRCh37 (hg19) VCF-style: chr2-238258790-C-T.
Other names: c.5058G>A, p.Thr1686= (NM_057166.5); c.6261G>A, p.Thr2087= (NM_057167.4).
Identifiers: ClinVar variation 291118 (VCV000291118.8), dbSNP rs886044656, ClinGen allele CA10607024.